The following is an entry in ClinVar:

ClinVar aggregate classification (germline): Uncertain significance (1 of 4 stars; one submission).

Conditions:
Dystonia 12 (DYT12). Also called: Rapid-Onset Dystonia-Parkinsonism (RDP); DYT-ATP1A3. Identifiers: Orphanet 71517, MedGen C1868681, MONDO:0007496, OMIM 128235.

Submission:

Labcorp Genetics (formerly Invitae), Labcorp
Classification: Uncertain significance for Dystonia 12. Last evaluated: 2024-08-15. Review status: criteria provided, single submitter. Criteria: Invitae Variant Classification Sherloc (09022015). Collection method: clinical testing. Allele origin: germline.
Comment: This sequence change replaces aspartic acid, which is acidic and polar, with tyrosine, which is neutral and polar, at codon 253 of the ATP1A3 protein (p.Asp253Tyr). This variant is not present in population databases (gnomAD no frequency). This variant has not been reported in the literature in individuals affected with ATP1A3-related conditions. Invitae Evidence Modeling of protein sequence and biophysical properties (such as structural, functional, and spatial information, amino acid conservation, physicochemical variation, residue mobility, and thermodynamic stability) indicates that this missense variant is expected to disrupt ATP1A3 protein function with a positive predictive value of 95%. In summary, the available evidence is currently insufficient to determine the role of this variant in disease. Therefore, it has been classified as a Variant of Uncertain Significance.

NM_152296.5(ATP1A3):c.757G>T (p.Asp253Tyr)

Gene: ATP1A3 (ATPase Na+/K+ transporting subunit alpha 3; minus strand). Cytogenetic location: 19q13.2.
Variant type: single nucleotide variant.
Coding change: c.757G>T on transcript NM_152296.5 (MANE Select); coding-DNA position 757, G replaced by T.
Protein change: p.Asp253Tyr; replaces aspartic acid 253 with tyrosine.
Molecular consequence: missense variant.
Genome position (GRCh38, 1-based): chr19:41,985,154, C>A on the plus strand (G>T on the coding strand, the complement: ATP1A3 is on the minus strand). VCF-style: chr19-41985154-C-A. GRCh37 (hg19) VCF-style: chr19-42489306-C-A.
Other names: c.790G>T, p.Asp264Tyr (NM_001256213.2); c.796G>T, p.Asp266Tyr (NM_001256214.2); short protein forms D253Y, D266Y, D264Y.
Identifiers: ClinVar variation 3636270 (VCV003636270.2).